The following is an entry in ClinVar:

NM_005869.4(CWC27):c.1226C>T (p.Pro409Leu)

Gene: CWC27 (CWC27 spliceosome associated cyclophilin; plus strand). Cytogenetic location: 5q12.3.
Variant type: single nucleotide variant.
Coding change: c.1226C>T on transcript NM_005869.4 (MANE Select); coding-DNA position 1226, C replaced by T.
Protein change: p.Pro409Leu; replaces proline 409 with leucine.
Molecular consequence: missense variant. On other transcripts: intron variant (1).
Genome position (GRCh38, 1-based): chr5:64,977,208, C>T. VCF-style: chr5-64977208-C-T. GRCh37 (hg19) VCF-style: chr5-64273035-C-T.
Other names: c.1152+5396C>T (NM_001297644.1); short protein forms P409L.
Identifiers: ClinVar variation 1411000 (VCV001411000.8), dbSNP rs2112446989, ClinGen allele CA359963845.
Genomic context (GRCh38, chr5:64,977,208, plus strand): 5'-TGAACCAGTTTAAATCTAAACTCACTCAAGCAATTGCTGAAACGCCTGAAAATGACATTC[C>T]TGAAACAGAAGTAGAAGATGATGAAGGATGGTAAGGGCTTTGATTTCTGTATATTAACCA-3'
Protein context (NP_005860.2, residues 399-419): AIAETPENDI[Pro409Leu]ETEVEDDEGW

ClinVar aggregate classification (germline): Uncertain significance (1 of 4 stars; one submission).

Submission:

Labcorp Genetics (formerly Invitae), Labcorp
Classification: Uncertain significance. Last evaluated: 2025-04-16. Review status: criteria provided, single submitter. Criteria: Invitae Variant Classification Sherloc (09022015). Collection method: clinical testing. Allele origin: germline.
Comment: This sequence change replaces proline, which is neutral and non-polar, with leucine, which is neutral and non-polar, at codon 409 of the CWC27 protein (p.Pro409Leu). This variant is not present in population databases (gnomAD no frequency). This variant has not been reported in the literature in individuals affected with CWC27-related conditions. ClinVar contains an entry for this variant (Variation ID: 1411000). An algorithm developed to predict the effect of missense changes on protein structure and function (PolyPhen-2) suggests that this variant is likely to be tolerated. In summary, the available evidence is currently insufficient to determine the role of this variant in disease. Therefore, it has been classified as a Variant of Uncertain Significance.